The following is an entry in ClinVar:

ClinVar aggregate classification (germline): Uncertain significance (1 of 4 stars; one submission).

Conditions:
Inborn genetic diseases. Identifiers: MedGen C0950123, MeSH D030342.

Submission:

Ambry Genetics
Classification: Uncertain significance for Inborn genetic diseases. Last evaluated: 2026-07-19. Review status: criteria provided, single submitter. Criteria: Ambry Variant Classification Scheme 2023. Collection method: clinical testing. Allele origin: germline.
Comment: The p.F679L variant (also known as c.2037C>G), located in coding exon 12 of the FANCM gene, results from a C to G substitution at nucleotide position 2037. The phenylalanine at codon 679 is replaced by leucine, an amino acid with highly similar properties. This amino acid position is conserved. In addition, this alteration is predicted to be tolerated by in silico analysis. Based on the available evidence, the clinical significance of this variant remains unclear.

NM_020937.4(FANCM):c.2037C>G (p.Phe679Leu)

Gene: FANCM (FA complementation group M; plus strand). Cytogenetic location: 14q21.2.
Variant type: single nucleotide variant.
Coding change: c.2037C>G on transcript NM_020937.4 (MANE Select); coding-DNA position 2037, C replaced by G.
Protein change: p.Phe679Leu; replaces phenylalanine 679 with leucine.
Molecular consequence: missense variant.
Genome position (GRCh38, 1-based): chr14:45,170,623, C>G. VCF-style: chr14-45170623-C-G. GRCh37 (hg19) VCF-style: chr14-45639826-C-G.
Other names: c.1959C>G, p.Phe653Leu (NM_001308133.2); short protein forms F653L, F679L.
Identifiers: ClinVar variation 5036626 (VCV005036626.1).
Genomic context (GRCh38, chr14:45,170,623, plus strand): 5'-TTTTCCATTATTTTTTCAACTTATAGGAATGAGGCAAAGTAGCCTAAAGAAAGATTGGTT[C>G]TTATCAGAAGAAGAATTTAAATTATGGAACAGACTTTATAGATTAAGGGACAGTGATGAA-3'
Protein context (NP_065988.1, residues 669-689): MRQSSLKKDW[Phe679Leu]LSEEEFKLWN